The following is an entry in ClinVar:

NM_145160.3(MAP2K5):c.1074+1G>A

Gene: MAP2K5 (mitogen-activated protein kinase kinase 5; plus strand). Cytogenetic location: 15q23.
Variant type: single nucleotide variant.
Coding change: c.1074+1G>A on transcript NM_145160.3 (MANE Select); the canonical splice donor site of the intron after coding-DNA position 1074, G replaced by A.
Molecular consequence: splice donor variant. On other transcripts: intron variant (1).
Genome position (GRCh38, 1-based): chr15:67,727,946, G>A. VCF-style: chr15-67727946-G-A. GRCh37 (hg19) VCF-style: chr15-68020284-G-A.
Other names: c.1045-20285G>A (NM_002757.4); c.966+1G>A (NM_001206804.2).
Identifiers: ClinVar variation 3027374 (VCV003027374.22), dbSNP rs2543121670, ClinGen allele CA393210230.

ClinVar aggregate classification (germline): Uncertain significance (1 of 4 stars; one submission).

Allele frequency attached by ClinVar (database versions not stated): gnomAD exomes below 0.00001.
gnomAD v4.1: 2 of 1,611,450 alleles (0.00012%); highest among the groups gnomAD compares: Non-Finnish European, 0.00017%; no homozygotes.

Submission:

CeGaT Center for Human Genetics Tuebingen
Classification: Uncertain significance. Last evaluated: 2024-03-01. Review status: criteria provided, single submitter. Criteria: CeGaT Center For Human Genetics Tuebingen Variant Classification Criteria Version 2. Collection method: clinical testing. Allele origin: germline. Affected: yes. Observed: 1 variant allele.
Comment: MAP2K5: PM2